The following is an entry in ClinVar:

NM_000059.4(BRCA2):c.8108_8115delinsTATATAAATAAATAAATAAATATATATTTATTTATCTGAAATATCTA (p.Thr2703_Ser2705delinsIleTyrLysTer)

Gene: BRCA2 (BRCA2 DNA repair associated; plus strand). Cytogenetic location: 13q13.1.
Variant type: Indel.
Coding change: c.8108_8115delinsTATATAAATAAATAAATAAATATATATTTATTTATCTGAAATATCTA on transcript NM_000059.4 (MANE Select); coding-DNA positions 8108 to 8115, the reference bases replaced by an inserted sequence.
Protein change: p.Thr2703_Ser2705delinsIleTyrLysTer.
Molecular consequence: nonsense. On other transcripts: non-coding transcript variant (1).
Genome position (GRCh38, 1-based): chr13:32,363,310-32,363,317, 8 bases replaced. GRCh37 (hg19): chr13:32,937,447-32,937,454.
Other names: c.8012_8019delinsTATATAAATAAATAAATAAATATATATTTATTTATCTGAAATATCTA, p.Thr2671_Ser2673delinsIleTyrLysTer (NM_001406719.1); c.8108_8115delinsTATATAAATAAATAAATAAATATATATTTATTTATCTGAAATATCTA, p.Thr2703_Ser2705delinsIleTyrLysTer (NM_001406720.1, NM_001432077.1); c.3176_3183delinsTATATAAATAAATAAATAAATATATATTTATTTATCTGAAATATCTA, p.Thr1059_Ser1061delinsIleTyrLysTer (NM_001406721.1); c.1691_1698delinsTATATAAATAAATAAATAAATATATATTTATTTATCTGAAATATCTA, p.Thr564_Ser566delinsIleTyrLysTer (NM_001406722.1).
Identifiers: ClinVar variation 4876090 (VCV004876090.1).
Genomic context (GRCh38, chr13:32,363,310, plus strand): 5'-CAAAAACACTTGTTCTCTGTGTTTCTGACATAATTTCATTGAGCGCAAATATATCTGAAA[CTTCTAGC>TATATAAATAAATAAATAAATATATATTTATTTATCTGAAATATCTA]AATAAAACTAGTAGTGCAGATACCCAAAAAGTGGCCATTATTGAACTTACAGATGGGTGG-3'

ClinVar aggregate classification (germline): Pathogenic (1 of 4 stars; one submission).

Conditions:
Breast-ovarian cancer, familial, susceptibility to, 2 (BROVCA2). Also called: BRCA2 Hereditary Breast and Ovarian Cancer. Identifiers: Orphanet 145, MedGen C2675520, MONDO:0012933, OMIM 612555. Disease mechanism: loss of function.

Submission:

Myriad Genetics, Inc.
Classification: Pathogenic for Breast-ovarian cancer, familial, susceptibility to, 2. Last evaluated: 2026-06-17. Review status: criteria provided, single submitter. Criteria: Myriad Autosomal Dominant, Autosomal Recessive and X-Linked Classification Criteria (2023). Collection method: clinical testing. Allele origin: unknown.
Comment: This variant is considered pathogenic. This variant creates a termination codon and is predicted to result in premature protein truncation.